The following is an entry in ClinVar:

ClinVar aggregate classification (germline): Uncertain significance. Review status: criteria provided, multiple submitters, no conflicts (2 of 4 stars). 2 submissions from 2 submitters: Uncertain significance (2). Last evaluated 2023-07-19.

Allele frequency attached by ClinVar (database versions not stated): TOPMed below 0.00001; gnomAD exomes 0.00001; ExAC 0.00003.
gnomAD v4.1: 3 of 1,361,932 alleles (0.00022%); highest among the groups gnomAD compares: South Asian, 0.002%; no homozygotes.

Submissions (2):

Ambry Genetics
Classification: Uncertain significance. Last evaluated: 2023-07-19. Review status: criteria provided, single submitter. Criteria: Ambry Variant Classification Scheme 2023. Collection method: clinical testing. Allele origin: germline.

Labcorp Genetics (formerly Invitae), Labcorp
Classification: Uncertain significance. Last evaluated: 2022-04-10. Review status: criteria provided, single submitter. Criteria: Invitae Variant Classification Sherloc (09022015). Collection method: clinical testing. Allele origin: germline.
Comment: This sequence change replaces proline, which is neutral and non-polar, with leucine, which is neutral and non-polar, at codon 185 of the IRF2BP2 protein (p.Pro185Leu). The frequency data for this variant in the population databases is considered unreliable, as metrics indicate poor data quality at this position in the gnomAD database. This variant has not been reported in the literature in individuals affected with IRF2BP2-related conditions. Algorithms developed to predict the effect of missense changes on protein structure and function are either unavailable or do not agree on the potential impact of this missense change (SIFT: "Deleterious"; PolyPhen-2: "Probably Damaging"; Align-GVGD: "Class C0"). In summary, the available evidence is currently insufficient to determine the role of this variant in disease. Therefore, it has been classified as a Variant of Uncertain Significance.

NM_182972.3(IRF2BP2):c.554C>T (p.Pro185Leu)

Gene: IRF2BP2 (interferon regulatory factor 2 binding protein 2; minus strand). Cytogenetic location: 1q42.3.
Variant type: single nucleotide variant.
Coding change: c.554C>T on transcript NM_182972.3 (MANE Select); coding-DNA position 554, C replaced by T.
Protein change: p.Pro185Leu; replaces proline 185 with leucine.
Molecular consequence: missense variant.
Genome position (GRCh38, 1-based): chr1:234,608,941, G>A on the plus strand (C>T on the coding strand, the complement: IRF2BP2 is on the minus strand). VCF-style: chr1-234608941-G-A. GRCh37 (hg19) VCF-style: chr1-234744687-G-A.
Other names: c.554C>T, p.Pro185Leu (NM_001077397.1); c.554C>T (NM_182972.2); short protein forms P185L.
Identifiers: ClinVar variation 2124275 (VCV002124275.6), dbSNP rs772724260, ClinGen allele CA1461818.